The following is an entry in ClinVar:

ClinVar aggregate classification (germline): Uncertain significance (1 of 4 stars; one submission).

Conditions:
RASopathy. Also called: Noonan spectrum disorder; rasopathies. Identifiers: Orphanet 536391, MedGen C5555857, MONDO:0021060.

Submission:

Labcorp Genetics (formerly Invitae), Labcorp
Classification: Uncertain significance for RASopathy. Last evaluated: 2025-04-30. Review status: criteria provided, single submitter. Criteria: Invitae Variant Classification Sherloc (09022015). Collection method: clinical testing. Allele origin: germline.
Comment: This sequence change replaces glycine, which is neutral and non-polar, with aspartic acid, which is acidic and polar, at codon 180 of the MAP2K2 protein (p.Gly180Asp). This variant is not present in population databases (gnomAD no frequency). This variant has not been reported in the literature in individuals affected with MAP2K2-related conditions. ClinVar contains an entry for this variant (Variation ID: 2986945). Invitae Evidence Modeling of protein sequence and biophysical properties (such as structural, functional, and spatial information, amino acid conservation, physicochemical variation, residue mobility, and thermodynamic stability) indicates that this missense variant is expected to disrupt MAP2K2 protein function with a positive predictive value of 95%. In summary, the available evidence is currently insufficient to determine the role of this variant in disease. Therefore, it has been classified as a Variant of Uncertain Significance.

NM_030662.4(MAP2K2):c.539G>A (p.Gly180Asp)

Gene: MAP2K2 (mitogen-activated protein kinase kinase 2; minus strand). Cytogenetic location: 19p13.3.
Variant type: single nucleotide variant.
Coding change: c.539G>A on transcript NM_030662.4 (MANE Select); coding-DNA position 539, G replaced by A.
Protein change: p.Gly180Asp; replaces glycine 180 with aspartic acid.
Molecular consequence: missense variant.
Genome position (GRCh38, 1-based): chr19:4,101,270, C>T on the plus strand (G>A on the coding strand, the complement: MAP2K2 is on the minus strand). VCF-style: chr19-4101270-C-T. GRCh37 (hg19) VCF-style: chr19-4101268-C-T.
Other names: short protein forms G180D.
Identifiers: ClinVar variation 2986945 (VCV002986945.3), dbSNP rs750247968, ClinGen allele CA304449957.